The following is an entry in ClinVar:

NM_004204.5(PIGQ):c.1417C>G (p.Leu473Val)

Gene: PIGQ (phosphatidylinositol glycan anchor biosynthesis class Q; plus strand). Cytogenetic location: 16p13.3.
Variant type: single nucleotide variant.
Coding change: c.1417C>G on transcript NM_004204.5 (MANE Select); coding-DNA position 1417, C replaced by G.
Protein change: p.Leu473Val; replaces leucine 473 with valine.
Molecular consequence: missense variant.
Genome position (GRCh38, 1-based): chr16:580,858, C>G. VCF-style: chr16-580858-C-G. GRCh37 (hg19) VCF-style: chr16-630858-C-G.
Other names: c.1417C>G, p.Leu473Val (NM_148920.4); short protein forms L473V.
Identifiers: ClinVar variation 2197209 (VCV002197209.4), dbSNP rs2035798066, ClinGen allele CA394059004.
Genomic context (GRCh38, chr16:580,858, plus strand): 5'-GGACTGCTCTGCCCCCAGGCGCGTCTGGCCGGGCCGGTCCTAAATGCTCCTCTGCCACAG[C>G]TCCGGCTCCTGGTGGTCGCCGTGCAGGGCCTGATCCATCTGCTCGTGGACCTCATCAACT-3'
Protein context (NP_004195.2, residues 463-483): TALYYLVFTL[Leu473Val]RLLVVAVQGL

ClinVar aggregate classification (germline): Uncertain significance (1 of 4 stars; one submission).

Conditions:
Epilepsy. Also called: Seizure disorder. Identifiers: MedGen C0014544, MeSH D004827, MONDO:0005027.

gnomAD v4.1: 2 of 1,411,880 alleles (0.00014%); highest among the groups gnomAD compares: Non-Finnish European, 0.0002%; no homozygotes.

Submission:

Labcorp Genetics (formerly Invitae), Labcorp
Classification: Uncertain significance for Epilepsy. Last evaluated: 2022-08-19. Review status: criteria provided, single submitter. Criteria: Invitae Variant Classification Sherloc (09022015). Collection method: clinical testing. Allele origin: germline.
Comment: Algorithms developed to predict the effect of sequence changes on RNA splicing suggest that this variant may disrupt the consensus splice site. Algorithms developed to predict the effect of missense changes on protein structure and function (SIFT, PolyPhen-2, Align-GVGD) all suggest that this variant is likely to be disruptive. In summary, the available evidence is currently insufficient to determine the role of this variant in disease. Therefore, it has been classified as a Variant of Uncertain Significance. This variant has not been reported in the literature in individuals affected with PIGQ-related conditions. This variant is not present in population databases (gnomAD no frequency). This sequence change replaces leucine, which is neutral and non-polar, with valine, which is neutral and non-polar, at codon 473 of the PIGQ protein (p.Leu473Val).